The following is an entry in ClinVar:

ClinVar aggregate classification (germline): Uncertain significance (1 of 4 stars; one submission).

Submission:

Labcorp Genetics (formerly Invitae), Labcorp
Classification: Uncertain significance. Last evaluated: 2022-09-23. Review status: criteria provided, single submitter. Criteria: Invitae Variant Classification Sherloc (09022015). Collection method: clinical testing. Allele origin: germline.
Comment: This sequence change falls in intron 9 of the COL11A2 gene. It does not directly change the encoded amino acid sequence of the COL11A2 protein. It affects a nucleotide within the consensus splice site. This variant is not present in population databases (gnomAD no frequency). This variant has not been reported in the literature in individuals affected with COL11A2-related conditions. ClinVar contains an entry for this variant (Variation ID: 1505015). Variants that disrupt the consensus splice site are a relatively common cause of aberrant splicing (PMID: 17576681, 9536098). Algorithms developed to predict the effect of sequence changes on RNA splicing suggest that this variant may disrupt the consensus splice site. In summary, the available evidence is currently insufficient to determine the role of this variant in disease. Therefore, it has been classified as a Variant of Uncertain Significance.

Literature cited by the submitters: PubMed 17576681; PubMed 9536098.

NM_080680.3(COL11A2):c.1179+3A>C

Gene: COL11A2 (collagen type XI alpha 2 chain; minus strand). Cytogenetic location: 6p21.32.
Variant type: single nucleotide variant.
Coding change: c.1179+3A>C on transcript NM_080680.3 (MANE Select); 3 bases into the intron after coding-DNA position 1179, A replaced by C.
Molecular consequence: intron variant.
Genome position (GRCh38, 1-based): chr6:33,181,108, T>G on the plus strand (A>C on the coding strand, the complement: COL11A2 is on the minus strand). VCF-style: chr6-33181108-T-G. GRCh37 (hg19) VCF-style: chr6-33148885-T-G.
Other names: c.858+3A>C (NM_080679.3); c.921+3A>C (NM_080681.3).
Identifiers: ClinVar variation 1505015 (VCV001505015.6), dbSNP rs2150588225, ClinGen allele CA2573140205.